The following is an entry in ClinVar:

NM_000180.4(GUCY2D):c.2747T>C (p.Ile916Thr)

Gene: GUCY2D (guanylate cyclase 2D, retinal; plus strand). Cytogenetic location: 17p13.1.
Variant type: single nucleotide variant.
Coding change: c.2747T>C on transcript NM_000180.4 (MANE Select); coding-DNA position 2747, T replaced by C.
Protein change: p.Ile916Thr; replaces isoleucine 916 with threonine.
Molecular consequence: missense variant.
Genome position (GRCh38, 1-based): chr17:8,015,029, T>C. VCF-style: chr17-8015029-T-C. GRCh37 (hg19) VCF-style: chr17-7918347-T-C.
Other names: short protein forms I916T.
Identifiers: ClinVar variation 3248753 (VCV003248753.3).

ClinVar aggregate classification (germline): Pathogenic. Review status: criteria provided, multiple submitters, no conflicts (2 of 4 stars). 3 submissions from 3 submitters: Pathogenic (3). Last evaluated 2025-07-29.

Conditions:
GUCY2D-related disorders.
Retinal dystrophy. Also called: Inherited retinal dystrophy. Identifiers: Orphanet 71862, MedGen C0854723, MeSH D058499, MONDO:0019118, HP:0000556.
Cone-rod dystrophy 6 (CORD6). Also called: RETINAL CONE DYSTROPHY 2; Cone dystrophy progressive. Identifiers: Orphanet 1872, MedGen C1866293, MONDO:0011143, OMIM 601777.
Leber congenital amaurosis 1 (LCA1). Also called: AMAUROSIS CONGENITA OF LEBER I; RETINAL BLINDNESS, CONGENITAL; Congenital absence of the rods and cones; Leber's congenital tapetoretinal degeneration; Leber's congenital tapetoretinal dysplasia. Identifiers: Orphanet 65, MedGen C2931258, MONDO:0008764, OMIM 204000.

gnomAD v4.1: 1 of 1,613,922 alleles (0.000062%); highest among the groups gnomAD compares: Non-Finnish European, 0.000085%; no homozygotes.

Submissions (3):

Labcorp Genetics (formerly Invitae), Labcorp
Classification: Pathogenic for Leber congenital amaurosis 1; Cone-rod dystrophy 6. Last evaluated: 2025-07-29. Review status: criteria provided, single submitter. Criteria: Invitae Variant Classification Sherloc (09022015). Collection method: clinical testing. Allele origin: germline.
Comment: This sequence change replaces isoleucine, which is neutral and non-polar, with threonine, which is neutral and polar, at codon 916 of the GUCY2D protein (p.Ile916Thr). This variant is not present in population databases (gnomAD no frequency). This missense change has been observed in individuals with clinical features of autosomal dominant cone-rod dystrophy (PMID: 24516651, 32821499, 36284460, 37327959). It has also been observed to segregate with disease in related individuals. ClinVar contains an entry for this variant (Variation ID: 3248753). Invitae Evidence Modeling of protein sequence and biophysical properties (such as structural, functional, and spatial information, amino acid conservation, physicochemical variation, residue mobility, and thermodynamic stability) indicates that this missense variant is not expected to disrupt GUCY2D protein function with a negative predictive value of 80%. For these reasons, this variant has been classified as Pathogenic.

Blueprint Genetics
Classification: Pathogenic for GUCY2D-related disorders. Last evaluated: 2024-04-10. Review status: criteria provided, single submitter. Criteria: ACMG Guidelines, 2015. Collection method: clinical testing. Allele origin: germline. Affected: yes. Observed: 5 variant alleles.

Institute of Human Genetics, Univ. Regensburg, Univ. Regensburg
Classification: Pathogenic for Retinal dystrophy. Last evaluated: 2019-01-01. Review status: criteria provided, single submitter. Criteria: ACMG Guidelines, 2015. Collection method: clinical testing. Allele origin: germline. Affected: yes.

Literature cited by the submitters: PubMed 24516651 (cited by Labcorp Genetics (formerly Invitae), Labcorp and Institute of Human Genetics, Univ. Regensburg, Univ. Regensburg); PubMed 32821499 (cited by Labcorp Genetics (formerly Invitae), Labcorp and Institute of Human Genetics, Univ. Regensburg, Univ. Regensburg); PubMed 36284460 (cited by Labcorp Genetics (formerly Invitae), Labcorp and Institute of Human Genetics, Univ. Regensburg, Univ. Regensburg); PubMed 37327959 (cited by Labcorp Genetics (formerly Invitae), Labcorp).